The following is an entry in ClinVar:

ClinVar aggregate classification (germline): Pathogenic (1 of 4 stars; one submission).

Conditions:
Retinoblastoma (RB1). Also called: RETINOBLASTOMA, SOMATIC. Identifiers: Orphanet 790, MedGen C0035335, MeSH D012175, MONDO:0008380, OMIM 180200, HP:0009919. Disease mechanism: loss of function. Inheritance: Both sporadic and heritable forms are tested..

Submission:

Labcorp Genetics (formerly Invitae), Labcorp
Classification: Pathogenic for Retinoblastoma. Last evaluated: 2022-11-29. Review status: criteria provided, single submitter. Criteria: Invitae Variant Classification Sherloc (09022015). Collection method: clinical testing. Allele origin: germline.
Comment: This sequence change creates a premature translational stop signal (p.Pro21Glnfs*55) in the RB1 gene. It is expected to result in an absent or disrupted protein product. Loss-of-function variants in RB1 are known to be pathogenic (PMID: 17096365). This variant is not present in population databases (gnomAD no frequency). For these reasons, this variant has been classified as Pathogenic. This variant has not been reported in the literature in individuals affected with RB1-related conditions.

Literature cited by the submitters: PubMed 17096365.

NM_000321.3(RB1):c.46_61GCC[2]GCGGAACCCCAGGCACCGCCGCCGCCGCCGCCGCGGAACCCC[1] (p.Pro21fs)

Gene: RB1 (RB transcriptional corepressor 1; plus strand). Cytogenetic location: 13q14.2.
Variant type: Microsatellite.
Coding change: c.46_61GCC[2]GCGGAACCCCAGGCACCGCCGCCGCCGCCGCCGCGGAACCCC[1] on transcript NM_000321.3 (MANE Select).
Protein change: p.Pro21fs; shifts the reading frame from proline 21.
Molecular consequence: frameshift variant.
Genome position: GRCh38: chr13:48,303,958-48,303,973. GRCh37 (hg19): chr13:48,878,094-48,878,109.
Other names: short protein forms P21fs.
Identifiers: ClinVar variation 1073997 (VCV001073997.7), dbSNP rs2138027345.
Genomic context (GRCh38, chr13:48,303,957, plus strand): 5'-GCCGCGGAAAGGCGTCATGCCGCCCAAAACCCCCCGAAAAACGGCCGCCACCGCCGCCGC[T>TGCCGCCGCGGAACCCCAGGCACCGCCGCCGCC]GCCGCCGCGGAACCCCCGGCACCGCCGCCGCCGCCCCCTCCTGAGGAGGACCCAGAGCAG-3'